The following is an entry in ClinVar:

NM_002437.5(MPV17):c.70G>T (p.Gly24Trp)

Gene: MPV17 (mitochondrial inner membrane protein MPV17; minus strand). Cytogenetic location: 2p23.3.
Variant type: single nucleotide variant.
Coding change: c.70G>T on transcript NM_002437.5 (MANE Select); coding-DNA position 70, G replaced by T.
Protein change: p.Gly24Trp; replaces glycine 24 with tryptophan.
Molecular consequence: missense variant.
Genome position (GRCh38, 1-based): chr2:27,322,448, C>A on the plus strand (G>T on the coding strand, the complement: MPV17 is on the minus strand). VCF-style: chr2-27322448-C-A. GRCh37 (hg19) VCF-style: chr2-27545315-C-A.
Other names: short protein forms G24W.
Identifiers: ClinVar variation 16165 (VCV000016165.4), dbSNP rs121909725, ClinGen allele CA341385.

ClinVar aggregate classification (germline): Uncertain significance. Review status: criteria provided, single submitter (1 of 4 stars). 2 submissions from 2 submitters: Uncertain significance (1). 1 of the submissions does not count toward it. Last evaluated 2019-08-13.

Conditions:
Mitochondrial DNA depletion syndrome 6 (hepatocerebral type). Also called: Mitochondrial DNA depletion syndrome type 6; NAVAJO NEUROPATHY; Navajo neurohepatopathy. Identifiers: Orphanet 255229, MedGen C1850406, MONDO:0009747, OMIM 256810.

Submissions (2):

SIB Swiss Institute of Bioinformatics
Classification: Uncertain significance for Mitochondrial DNA depletion syndrome 6 (hepatocerebral type). Last evaluated: 2019-08-13. Review status: criteria provided, single submitter. Criteria: ACMG Guidelines, 2015. Collection method: curation. Allele origin: unknown.
Comment: This variant is interpreted as a variant of uncertain significance for Mitochondrial DNA depletion syndrome 6, autosomal recessive. The following ACMG Tag(s) were applied: PM2, PP3, PM3.

OMIM
Classification: Pathogenic for MITOCHONDRIAL DNA DEPLETION SYNDROME 6 (HEPATOCEREBRAL TYPE). Last evaluated: 2008-08-01. Review status: no assertion criteria provided. Collection method: literature only. Allele origin: germline. Not counted in ClinVar's aggregate classification.

Literature cited by the submitters: PubMed 18695062 (cited by SIB Swiss Institute of Bioinformatics and OMIM).